The following is an entry in ClinVar:

ClinVar aggregate classification (germline): Pathogenic (1 of 4 stars; one submission).

Conditions:
Hereditary cancer-predisposing syndrome. Also called: Neoplastic Syndromes, Hereditary; Tumor predisposition; Hereditary Cancer Syndrome; Hereditary neoplastic syndrome. Identifiers: Orphanet 140162, MedGen C0027672, MeSH D009386, MONDO:0015356.

Submission:

Ambry Genetics
Classification: Pathogenic for Hereditary cancer-predisposing syndrome. Last evaluated: 2025-10-24. Review status: criteria provided, single submitter. Criteria: Ambry Variant Classification Scheme 2023. Collection method: clinical testing. Allele origin: germline.
Comment: The c.788delC pathogenic mutation, located in coding exon 4 of the SMARCA4 gene, results from a deletion of one nucleotide at nucleotide position 788, causing a translational frameshift with a predicted alternate stop codon (p.P263Qfs*40). This alteration is expected to result in loss of function by premature protein truncation or nonsense-mediated mRNA decay. Loss-of-function variants in SMARCA4 are known to cause rhabdoid tumor predisposition syndrome including small cell carcinoma of the ovary-hypercalcemic type (SCCOHT); however, such associations with neurodevelopmental disorders are exceedingly rare (Kosho T et al. Am J Med Genet C Semin Med Genet. 2014 Sep;166C(3):262-75; Jelinic P et al. Nat Genet. 2014 May;46(5):424-6). Based on the supporting evidence, this alteration is pathogenic for rhabdoid tumor predisposition syndrome; however, the association of this alteration with Coffin-Siris syndrome is unlikely.

NM_003072.5(SMARCA4):c.788del (p.Pro263fs)

Gene: SMARCA4 (SWI/SNF related BAF chromatin remodeling complex subunit ATPase 4; plus strand). Cytogenetic location: 19p13.2.
Variant type: Deletion.
Coding change: c.788del on transcript NM_003072.5 (MANE Select); coding-DNA position 788, one base deleted (C; older notation c.788delC).
Protein change: p.Pro263fs; shifts the reading frame from proline 263.
Molecular consequence: frameshift variant. On other transcripts: non-coding transcript variant (1).
Genome position (GRCh38, 1-based): chr19:10,986,932, C deleted; the last of 5 consecutive C bases (chr19:10,986,928-10,986,932); deleting any one gives the same sequence. VCF-style (leftmost placement, unchanged base first): chr19-10986927-TC-T. GRCh37 (hg19) VCF-style: chr19-11097603-TC-T.
Other names: c.788del, p.Pro263fs (NM_001128844.3, NM_001128845.2, NM_001128846.2 and 5 more transcripts); c.788delC, p.Pro263Glnfs (NM_001411150.1); short protein forms P263fs.
Identifiers: ClinVar variation 1761041 (VCV001761041.3), dbSNP rs1555754177, ClinGen allele CA2580096272.
Genomic context (GRCh38, chr19:10,986,927, plus strand): 5'-GACGCACTGTTTTCTCTTTTGTTTCTCCCTACATGTAGGTATGGGAGGGCCCAACATGCC[TC>T]CCCCAGGACCCTCGGGCGTGCCCCCCGGGATGCCAGGCCAGCCTCCTGGAGGGCCTCCCA-3'